The following is an entry in ClinVar:

NM_032043.3(BRIP1):c.305A>G (p.Gln102Arg)

Gene: BRIP1 (BRCA1 interacting DNA helicase 1; minus strand). Cytogenetic location: 17q23.2.
Variant type: single nucleotide variant.
Coding change: c.305A>G on transcript NM_032043.3 (MANE Select); coding-DNA position 305, A replaced by G.
Protein change: p.Gln102Arg; replaces glutamine 102 with arginine.
Molecular consequence: missense variant.
Genome position (GRCh38, 1-based): chr17:61,857,132, T>C on the plus strand (A>G on the coding strand, the complement: BRIP1 is on the minus strand). VCF-style: chr17-61857132-T-C. GRCh37 (hg19) VCF-style: chr17-59934493-T-C.
Other names: short protein forms Q102R.
Identifiers: ClinVar variation 479416 (VCV000479416.22), dbSNP rs1484234707, ClinGen allele CA400485406.

ClinVar aggregate classification (germline): Conflicting classifications of pathogenicity. Review status: criteria provided, conflicting classifications (1 of 4 stars). 5 submissions from 5 submitters: Uncertain significance (4); Likely benign (1). Last evaluated 2025-11-05.

Conditions:
Familial ovarian cancer. Identifiers: MedGen C5679802, MONDO:0016248.
Hereditary cancer-predisposing syndrome. Also called: Tumor predisposition; Neoplastic Syndromes, Hereditary; Hereditary Cancer Syndrome; Hereditary neoplastic syndrome. Identifiers: Orphanet 140162, MedGen C0027672, MeSH D009386, MONDO:0015356.
Fanconi anemia complementation group J. Also called: BRIP1-Related Fanconi Anemia. Identifiers: Orphanet 84, MedGen C1836860, MONDO:0012187, OMIM 609054.
Familial cancer of breast. Also called: BREAST CANCER, FAMILIAL; Hereditary breast cancer; hereditary breast carcinoma. Identifiers: Orphanet 227535, MedGen C0346153, MONDO:0016419, OMIM 114480. Disease mechanism: loss of function.

Allele frequency attached by ClinVar (database versions not stated): gnomAD exomes below 0.00001 and 0.00001; TOPMed below 0.00001.

Submissions (5):

Labcorp Genetics (formerly Invitae), Labcorp
Classification: Uncertain significance for Familial cancer of breast; Fanconi anemia complementation group J. Last evaluated: 2025-11-05. Review status: criteria provided, single submitter. Criteria: Invitae Variant Classification Sherloc (09022015). Collection method: clinical testing. Allele origin: germline.
Comment: This sequence change replaces glutamine, which is neutral and polar, with arginine, which is basic and polar, at codon 102 of the BRIP1 protein (p.Gln102Arg). This variant is not present in population databases (gnomAD no frequency). This missense change has been observed in individual(s) with esophageal squamous cell carcinoma and/or acute pancreatitis (PMID: 30833958, 35171259). ClinVar contains an entry for this variant (Variation ID: 479416). Invitae Evidence Modeling of protein sequence and biophysical properties (such as structural, functional, and spatial information, amino acid conservation, physicochemical variation, residue mobility, and thermodynamic stability) indicates that this missense variant is not expected to disrupt BRIP1 protein function with a negative predictive value of 95%. In summary, the available evidence is currently insufficient to determine the role of this variant in disease. Therefore, it has been classified as a Variant of Uncertain Significance.

Ambry Genetics
Classification: Likely benign for Hereditary cancer-predisposing syndrome. Last evaluated: 2024-12-03. Review status: criteria provided, single submitter. Criteria: Ambry Variant Classification Scheme 2023. Collection method: clinical testing. Allele origin: germline.

Color Diagnostics, LLC DBA Color Health
Classification: Uncertain significance for Hereditary cancer-predisposing syndrome. Last evaluated: 2024-06-01. Review status: criteria provided, single submitter. Criteria: ACMG Guidelines, 2015. Collection method: clinical testing. Allele origin: germline.
Comment: This missense variant replaces glutamine with arginine at codon 102 of the BRIP1 protein. Computational prediction suggests that this variant may not impact protein structure and function. To our knowledge, functional studies have not been reported for this variant. This variant has been detected in a breast cancer case-control meta-analysis in 1/60466 cases and 5/53461 unaffected individuals (PMID: 33471991; Leiden Open Variation Database DB-ID BRIP1_000720). This variant also has been reported in an individual affected with esophageal squamous cell carcinoma (PMID: 30833958). This variant has been identified in 1/251460 chromosomes in the general population by the Genome Aggregation Database (gnomAD). The available evidence is insufficient to determine the role of this variant in disease conclusively. Therefore, this variant is classified as a Variant of Uncertain Significance.

Fulgent Genetics
Classification: Uncertain significance for Familial cancer of breast; Fanconi anemia complementation group J. Last evaluated: 2024-01-26. Review status: criteria provided, single submitter. Criteria: ACMG Guidelines, 2015. Collection method: clinical testing. Allele origin: germline.

Department of Pathology and Laboratory Medicine, Sinai Health System
Classification: Uncertain significance for familial ovarian cancer. Last evaluated: 2022-06-10. Review status: criteria provided, single submitter. Criteria: ACMG Guidelines, 2015. Collection method: clinical testing. Allele origin: germline. Affected: no.

Literature cited by the submitters: PubMed 30833958 (cited by 4 submitters); PubMed 35171259 (cited by Labcorp Genetics (formerly Invitae), Labcorp); PubMed 33471991 (cited by Color Diagnostics, LLC DBA Color Health).